The following is an entry in ClinVar:

ClinVar aggregate classification (germline): Uncertain significance (1 of 4 stars; one submission).

Conditions:
Epilepsy, childhood absence, susceptibility to, 1. Also called: Epilepsy, childhood absence 1. Identifiers: Orphanet 64280, MedGen C1838604, MONDO:0020759, OMIM 600131.
Epilepsy, childhood absence, susceptibility to, 5. Identifiers: Orphanet 64280, MedGen C2677087, MONDO:0012843, OMIM 612269.

Submission:

Labcorp Genetics (formerly Invitae), Labcorp
Classification: Uncertain significance for Epilepsy, childhood absence, susceptibility to, 5; Epilepsy, childhood absence, susceptibility to, 1. Last evaluated: 2022-10-13. Review status: criteria provided, single submitter. Criteria: Invitae Variant Classification Sherloc (09022015). Collection method: clinical testing. Allele origin: germline.
Comment: In summary, the available evidence is currently insufficient to determine the role of this variant in disease. Therefore, it has been classified as a Variant of Uncertain Significance. Algorithms developed to predict the effect of missense changes on protein structure and function are either unavailable or do not agree on the potential impact of this missense change (SIFT: "Not Available"; PolyPhen-2: "Probably Damaging"; Align-GVGD: "Not Available"). This variant has not been reported in the literature in individuals affected with GABRB3-related conditions. Information on the frequency of this variant in the gnomAD database is not available, as this variant may be reported differently in the database. This sequence change replaces proline, which is neutral and non-polar, with phenylalanine, which is neutral and non-polar, at codon 31 of the GABRB3 protein (p.Pro31Phe).

NM_000814.6(GABRB3):c.91_92delinsTT (p.Pro31Phe)

Gene: GABRB3 (gamma-aminobutyric acid type A receptor subunit beta3; minus strand). Cytogenetic location: 15q12.
Variant type: Indel.
Coding change: c.91_92delinsTT on transcript NM_000814.6 (MANE Select); coding-DNA positions 91 to 92, CC replaced by TT.
Protein change: p.Pro31Phe; replaces proline 31 with phenylalanine.
Molecular consequence: missense variant. On other transcripts: 5 prime UTR variant (1).
Genome position (GRCh38, 1-based): chr15:26,772,761-26,772,762, GG replaced by AA on the plus strand (CC replaced by TT on the coding strand, the reverse complement: GABRB3 is on the minus strand). VCF-style: chr15-26772761-GG-AA. GRCh37 (hg19) VCF-style: chr15-27017908-GG-AA.
Other names: c.-261_-260delinsTT (NM_001278631.2); c.91_92delinsTT, p.Pro31Phe (NM_021912.5); short protein forms P31F.
Identifiers: ClinVar variation 2063946 (VCV002063946.4), dbSNP rs2504095254, ClinGen allele CA2580089146.